The following is an entry in ClinVar:

ClinVar aggregate classification (germline): Uncertain significance. Review status: criteria provided, multiple submitters, no conflicts (2 of 4 stars). 2 submissions from 2 submitters: Uncertain significance (2). Last evaluated 2026-04-14.

Conditions:
Inborn genetic diseases. Identifiers: MedGen C0950123, MeSH D030342.

Allele frequency attached by ClinVar (database versions not stated): gnomAD exomes below 0.00001.
gnomAD v4.1: 3 of 1,612,992 alleles (0.00019%); highest among the groups gnomAD compares: East Asian, 0.0022%; no homozygotes.

Submissions (2):

Ambry Genetics
Classification: Uncertain significance for Inborn genetic diseases. Last evaluated: 2026-04-14. Review status: criteria provided, single submitter. Criteria: Ambry Variant Classification Scheme 2023. Collection method: clinical testing. Allele origin: germline.

GeneDx
Classification: Uncertain significance. Last evaluated: 2022-10-12. Review status: criteria provided, single submitter. Criteria: GeneDx Variant Classification Process June 2021. Collection method: clinical testing. Allele origin: germline. Affected: yes.
Comment: Not observed at significant frequency in large population cohorts (gnomAD); In silico analysis supports that this missense variant does not alter protein structure/function; Has not been previously published as pathogenic or benign to our knowledge

NM_015570.4(AUTS2):c.3040G>A (p.Val1014Met)

Gene: AUTS2 (activator of transcription and developmental regulator AUTS2; plus strand). Cytogenetic location: 7q11.22.
Variant type: single nucleotide variant.
Coding change: c.3040G>A on transcript NM_015570.4 (MANE Select); coding-DNA position 3040, G replaced by A.
Protein change: p.Val1014Met; replaces valine 1014 with methionine.
Molecular consequence: missense variant.
Genome position (GRCh38, 1-based): chr7:70,790,256, G>A. VCF-style: chr7-70790256-G-A. GRCh37 (hg19) VCF-style: chr7-70255242-G-A.
Other names: c.2968G>A, p.Val990Met (NM_001127231.3); short protein forms V1014M, V990M.
Identifiers: ClinVar variation 2499293 (VCV002499293.2), dbSNP rs970084721, ClinGen allele CA160016424.